The following is an entry in ClinVar:

NM_018979.4(WNK1):c.6486C>G (p.His2162Gln)

Gene: WNK1 (WNK lysine deficient protein kinase 1; plus strand). Cytogenetic location: 12p13.33.
Variant type: single nucleotide variant.
Coding change: c.6486C>G on transcript NM_018979.4 (MANE Select); coding-DNA position 6486, C replaced by G.
Protein change: p.His2162Gln; replaces histidine 2162 with glutamine.
Molecular consequence: missense variant.
Genome position (GRCh38, 1-based): chr12:900,513, C>G. VCF-style: chr12-900513-C-G. GRCh37 (hg19) VCF-style: chr12-1009679-C-G.
Other names: c.7266C>G, p.His2422Gln (NM_001184985.2); c.5742C>G, p.His1914Gln (NM_014823.3); c.7242C>G, p.His2414Gln (NM_213655.5); short protein forms H2162Q, H2422Q, H1914Q, H2414Q.
Identifiers: ClinVar variation 942123 (VCV000942123.9), dbSNP rs1955166178, ClinGen allele CA383338044.

ClinVar aggregate classification (germline): Uncertain significance (1 of 4 stars; one submission).

Conditions:
Neuropathy, hereditary sensory and autonomic, type 2A (HSAN2A). Also called: MORVAN DISEASE; NEUROPATHY, CONGENITAL SENSORY; NEUROPATHY, HEREDITARY SENSORY RADICULAR, AUTOSOMAL RECESSIVE; NEUROPATHY, HEREDITARY SENSORY, TYPE IIA; NEUROPATHY, PROGRESSIVE SENSORY, OF CHILDREN; WNK1-Related HSAN2 (HSAN2A). Identifiers: Orphanet 970, MedGen C2752089, MONDO:0024309, OMIM 201300.
Pseudohypoaldosteronism type 2C (PHA2C). Also called: Pseudohypoaldosteronism Type IIC. Identifiers: Orphanet 757, Orphanet 88940, MedGen C1840391, MONDO:0013778, OMIM 614492.

Submission:

Labcorp Genetics (formerly Invitae), Labcorp
Classification: Uncertain significance for Neuropathy, hereditary sensory and autonomic, type 2A; Pseudohypoaldosteronism type 2C. Last evaluated: 2019-09-23. Review status: criteria provided, single submitter. Criteria: Invitae Variant Classification Sherloc (09022015). Collection method: clinical testing. Allele origin: germline.
Comment: This sequence change replaces histidine with glutamine at codon 2414 of the WNK1 protein (p.His2414Gln). The histidine residue is moderately conserved and there is a small physicochemical difference between histidine and glutamine. This variant is not present in population databases (ExAC no frequency). This variant has not been reported in the literature in individuals with WNK1-related conditions. Algorithms developed to predict the effect of missense changes on protein structure and function (SIFT, PolyPhen-2, Align-GVGD) all suggest that this variant is likely to be tolerated, but these predictions have not been confirmed by published functional studies and their clinical significance is uncertain. Algorithms developed to predict the effect of sequence changes on RNA splicing suggest that this variant may create or strengthen a splice site, but this prediction has not been confirmed by published transcriptional studies. In summary, the available evidence is currently insufficient to determine the role of this variant in disease. Therefore, it has been classified as a Variant of Uncertain Significance.